The following is an entry in ClinVar:

NC_000009.12:g.35658022_35658023insTCTCAGCTTCACAGCGT

Gene: RMRP (RNA component of mitochondrial RNA processing endoribonuclease; minus strand). Cytogenetic location: 9p13.3.
Variant type: Insertion.
Genome position: GRCh38 VCF-style: chr9-35658019-A-ACGTTCTCAGCTTCACAG. GRCh37 (hg19) VCF-style: chr9-35658016-A-ACGTTCTCAGCTTCACAG.
Identifiers: ClinVar variation 2750157 (VCV002750157.3), dbSNP rs1554651399, ClinGen allele CA918446901.

ClinVar aggregate classification (germline): Pathogenic (1 of 4 stars; one submission).

Conditions:
Anauxetic dysplasia. Identifiers: Orphanet 93347, MedGen C1846796, MONDO:0011773.

Submission:

Labcorp Genetics (formerly Invitae), Labcorp
Classification: Pathogenic for Anauxetic dysplasia. Last evaluated: 2023-10-14. Review status: criteria provided, single submitter. Criteria: Invitae Variant Classification Sherloc (09022015). Collection method: clinical testing. Allele origin: germline.
Comment: This variant occurs in the RMRP gene, which encodes an RNA molecule that does not result in a protein product. This variant is not present in population databases (gnomAD no frequency). While this particular variant has not been reported in the literature, it is located in the promoter region between the TATA box and the transcription initiation site, and other insertions and duplications immediately upstream of the coding sequence have been reported in individuals affected with cartilage-hair hypoplasia-anauxetic dysplasia (CHH-AD) spectrum disorders (PMID: 16244706, 11207361, 12107819). While functional studies for this variant have not been reported, experimental analyses using patient derived cells, as well as in vitro transfection studies, have shown that promoter insertions result in silencing of RMRP transcription and reduced expression of the gene product (PMID: 11207361, 16254002). For these reasons, this variant has been classified as Pathogenic.

Literature cited by the submitters: PubMed 16244706; PubMed 11207361; PubMed 12107819; PubMed 16254002.